The following is an entry in ClinVar:

ClinVar aggregate classification (germline): Uncertain significance (1 of 4 stars; one submission).

Conditions:
CPLANE1-related disorder. Also called: CPLANE1-related condition.

gnomAD v4.1: 22 of 1,550,806 alleles (0.0014%); highest among the groups gnomAD compares: South Asian, 0.025%; no homozygotes.

Submission:

PreventionGenetics, part of Exact Sciences
Classification: Uncertain significance for CPLANE1-related condition. Last evaluated: 2026-02-27. Review status: criteria provided, single submitter. Criteria: ACMG Guidelines, 2015. Collection method: clinical testing. Allele origin: germline.
Comment: The CPLANE1 c.2936T>G variant is predicted to result in the amino acid substitution p.Leu979Arg. To our knowledge, this variant has not been reported in the literature. This variant is present in 0.022% of alleles in individuals of South Asian descent in gnomAD. At this time, the clinical significance of this variant is uncertain due to the absence of conclusive functional and genetic evidence.

NM_001384732.1(CPLANE1):c.2936T>G (p.Leu979Arg)

Gene: CPLANE1 (ciliogenesis and planar polarity effector complex subunit 1; minus strand). Cytogenetic location: 5p13.2.
Variant type: single nucleotide variant.
Coding change: c.2936T>G on transcript NM_001384732.1 (MANE Select); coding-DNA position 2936, T replaced by G.
Protein change: p.Leu979Arg; replaces leucine 979 with arginine.
Molecular consequence: missense variant.
Genome position (GRCh38, 1-based): chr5:37,206,410, A>C on the plus strand (T>G on the coding strand, the complement: CPLANE1 is on the minus strand). VCF-style: chr5-37206410-A-C. GRCh37 (hg19) VCF-style: chr5-37206512-A-C.
Other names: c.2936T>G, p.Leu979Arg (NM_023073.4); short protein forms L979R.
Identifiers: ClinVar variation 4996546 (VCV004996546.1).